The following is an entry in ClinVar:

ClinVar aggregate classification (germline): Uncertain significance. Review status: criteria provided, multiple submitters, no conflicts (2 of 4 stars). 3 submissions from 3 submitters: Uncertain significance (3). Last evaluated 2025-04-16.

Conditions:
Hereditary cancer-predisposing syndrome. Also called: Neoplastic Syndromes, Hereditary; Hereditary Cancer Syndrome; Tumor predisposition; Hereditary neoplastic syndrome. Identifiers: Orphanet 140162, MedGen C0027672, MeSH D009386, MONDO:0015356.
Rhabdoid tumor predisposition syndrome 2 (RTPS2). Identifiers: Orphanet 231108, Orphanet 69077, MedGen C2750074, MONDO:0013224, OMIM 613325.

gnomAD v4.1: 1 of 1,551,086 alleles (0.000064%); highest among the groups gnomAD compares: African/African-American, 0.0014%; no homozygotes.

Submissions (3):

GeneDx
Classification: Uncertain significance. Last evaluated: 2025-04-16. Review status: criteria provided, single submitter. Criteria: GeneDx Variant Classification Process June 2021. Collection method: clinical testing. Allele origin: germline. Affected: yes.
Comment: Not observed at significant frequency in large population cohorts (gnomAD); In silico analysis indicates that this missense variant does not alter protein structure/function; Has not been previously published as pathogenic or benign to our knowledge

Labcorp Genetics (formerly Invitae), Labcorp
Classification: Uncertain significance for Rhabdoid tumor predisposition syndrome 2. Last evaluated: 2023-08-11. Review status: criteria provided, single submitter. Criteria: Invitae Variant Classification Sherloc (09022015). Collection method: clinical testing. Allele origin: germline.
Comment: This variant is not present in population databases (gnomAD no frequency). This variant has not been reported in the literature in individuals affected with SMARCA4-related conditions. ClinVar contains an entry for this variant (Variation ID: 2447206). Advanced modeling of protein sequence and biophysical properties (such as structural, functional, and spatial information, amino acid conservation, physicochemical variation, residue mobility, and thermodynamic stability) performed at Invitae indicates that this missense variant is expected to disrupt SMARCA4 protein function. In summary, the available evidence is currently insufficient to determine the role of this variant in disease. Therefore, it has been classified as a Variant of Uncertain Significance. This sequence change replaces alanine, which is neutral and non-polar, with aspartic acid, which is acidic and polar, at codon 1654 of the SMARCA4 protein (p.Ala1654Asp).

Ambry Genetics
Classification: Uncertain significance for Hereditary cancer-predisposing syndrome. Last evaluated: 2023-02-16. Review status: criteria provided, single submitter. Criteria: Ambry Variant Classification Scheme 2023. Collection method: clinical testing. Allele origin: germline.
Comment: The p.A1654D variant (also known as c.4961C>A), located in coding exon 34 of the SMARCA4 gene, results from a C to A substitution at nucleotide position 4961. The alanine at codon 1654 is replaced by aspartic acid, an amino acid with dissimilar properties. This amino acid position is highly conserved in available vertebrate species. In addition, this alteration is predicted to be deleterious by in silico analysis. Missense and in-frame variants in SMARCA4 are known to cause neurodevelopmental disorders; however, such associations with rhabdoid tumor predisposition syndrome including small cell carcinoma of the ovary-hypercalcemic type (SCCOHT) are exceedingly rare (Kosho T et al. Am J Med Genet C Semin Med Genet. 2014 Sep;166C(3):262-75; Jelinic P et al. Nat Genet. 2014 May;46(5):424-6). Since supporting evidence is limited at this time, the clinical significance of this alteration remains unclear.

NM_003072.5(SMARCA4):c.4865C>A (p.Ala1622Asp)

Gene: SMARCA4 (SWI/SNF related BAF chromatin remodeling complex subunit ATPase 4; plus strand). Cytogenetic location: 19p13.2.
Variant type: single nucleotide variant.
Coding change: c.4865C>A on transcript NM_003072.5 (MANE Select); coding-DNA position 4865, C replaced by A.
Protein change: p.Ala1622Asp; replaces alanine 1622 with aspartic acid.
Molecular consequence: missense variant. On other transcripts: non-coding transcript variant (1).
Genome position (GRCh38, 1-based): chr19:11,060,141, C>A. VCF-style: chr19-11060141-C-A. GRCh37 (hg19) VCF-style: chr19-11170817-C-A.
Other names: c.4865C>A, p.Ala1622Asp (NM_001128844.3); c.4775C>A, p.Ala1592Asp (NM_001128845.2); c.4772C>A, p.Ala1591Asp (NM_001128846.2); c.4766C>A, p.Ala1589Asp (NM_001128847.4, NM_001374457.1); c.4763C>A, p.Ala1588Asp (NM_001128848.2); c.4961C>A, p.Ala1654Asp (NM_001128849.3, NM_001387283.1); c.4862C>A, p.Ala1621Asp (NM_001411150.1); short protein forms A1621D, A1622D, A1592D, A1589D, A1654D, A1588D, A1591D.
Identifiers: ClinVar variation 2447206 (VCV002447206.7), dbSNP rs1275554425, ClinGen allele CA404080785.